The following is an entry in ClinVar:

NM_000282.4(PCCA):c.506dup (p.His169fs)

Gene: PCCA (propionyl-CoA carboxylase subunit alpha; plus strand). Cytogenetic location: 13q32.3.
Variant type: Duplication.
Coding change: c.506dup on transcript NM_000282.4 (MANE Select); coding-DNA position 506, one base duplicated (A; older notation c.506dupA).
Protein change: p.His169fs; shifts the reading frame from histidine 169.
Molecular consequence: frameshift variant. On other transcripts: 5 prime UTR variant (3), non-coding transcript variant (5).
Genome position (GRCh38, 1-based): chr13:100,209,369, A duplicated. VCF-style (leftmost placement, unchanged base first): chr13-100209368-C-CA. GRCh37 (hg19) VCF-style: chr13-100861622-C-CA.
Other names: c.506dup, p.His169fs (NM_001352606.2, NM_001178004.2, NM_001352605.2 and 1 more transcripts); c.428dup, p.His143fs (NM_001352607.2, NM_001127692.3, NM_001352608.2); c.-361dup (NM_001352610.2, NM_001352611.2, NM_001352612.2); short protein forms H143fs, H169fs.
Identifiers: ClinVar variation 1072772 (VCV001072772.7), dbSNP rs2152478688, ClinGen allele CA2499221928.

ClinVar aggregate classification (germline): Pathogenic (1 of 4 stars; one submission).

Conditions:
Propionic acidemia (PROP). Also called: GLYCINEMIA, KETOTIC; HYPERGLYCINEMIA WITH KETOACIDOSIS AND LEUKOPENIA; KETOTIC HYPERGLYCINEMIA. Identifiers: Orphanet 35, MedGen C0268579, MONDO:0011628, OMIM 606054, HP:0003571.

Submission:

Labcorp Genetics (formerly Invitae), Labcorp
Classification: Pathogenic for Propionic acidemia. Last evaluated: 2021-02-04. Review status: criteria provided, single submitter. Criteria: Invitae Variant Classification Sherloc (09022015). Collection method: clinical testing. Allele origin: germline.
Comment: For these reasons, this variant has been classified as Pathogenic. Loss-of-function variants in PCCA are known to be pathogenic (PMID: 15464417). This variant has not been reported in the literature in individuals with PCCA-related conditions. This variant is not present in population databases (ExAC no frequency). This sequence change creates a premature translational stop signal (p.His169Glnfs*11) in the PCCA gene. It is expected to result in an absent or disrupted protein product.

Literature cited by the submitters: PubMed 15464417.